The following is an entry in ClinVar:

NM_201596.3(CACNB2):c.1531C>T (p.Arg511Cys)

Gene: CACNB2 (calcium voltage-gated channel auxiliary subunit beta 2; plus strand). Cytogenetic location: 10p12.31.
Variant type: single nucleotide variant.
Coding change: c.1531C>T on transcript NM_201596.3 (MANE Select); coding-DNA position 1531, C replaced by T.
Protein change: p.Arg511Cys; replaces arginine 511 with cysteine.
Molecular consequence: missense variant.
Genome position (GRCh38, 1-based): chr10:18,539,272, C>T. VCF-style: chr10-18539272-C-T. GRCh37 (hg19) VCF-style: chr10-18828201-C-T.
Other names: c.1366C>T, p.Arg456Cys (NM_000724.4); c.1333C>T, p.Arg445Cys (NM_001167945.2); c.1252C>T, p.Arg418Cys (NM_001330060.2); c.1387C>T, p.Arg463Cys (NM_201570.3); c.1447C>T, p.Arg483Cys (NM_201571.4); c.1375C>T, p.Arg459Cys (NM_201572.4); c.1369C>T, p.Arg457Cys (NM_201590.3); c.1417C>T, p.Arg473Cys (NM_201593.3); and 1 more; short protein forms R473C, R483C, R511C, R418C, R445C, R456C, R459C, R457C.
Identifiers: ClinVar variation 1389582 (VCV001389582.11), dbSNP rs764111314, ClinGen allele CA5430089.

ClinVar aggregate classification (germline): Uncertain significance. Review status: criteria provided, multiple submitters, no conflicts (2 of 4 stars). 3 submissions from 3 submitters: Uncertain significance (3). Last evaluated 2025-10-14.

Conditions:
Cardiovascular phenotype. Identifiers: MedGen CN230736.
Brugada syndrome 4 (BRGDA4). Identifiers: Orphanet 130, MedGen C2678477, MONDO:0012743, OMIM 611876.

Allele frequency attached by ClinVar (database versions not stated): TOPMed 0.00002; ExAC 0.00003.
gnomAD v4.1: 18 of 1,613,818 alleles (0.0011%); highest among the groups gnomAD compares: Admixed American, 0.0033%; no homozygotes.

Submissions (3):

Ambry Genetics
Classification: Uncertain significance for Cardiovascular phenotype. Last evaluated: 2025-10-14. Review status: criteria provided, single submitter. Criteria: Ambry Variant Classification Scheme 2023. Collection method: clinical testing. Allele origin: germline.
Comment: The p.R457C variant (also known as c.1369C>T), located in coding exon 13 of the CACNB2 gene, results from a C to T substitution at nucleotide position 1369. The arginine at codon 457 is replaced by cysteine, an amino acid with highly dissimilar properties. This amino acid position is well conserved in available vertebrate species. In addition, the in silico prediction for this alteration is inconclusive. Since supporting evidence is limited at this time, the clinical significance of this alteration remains unclear.

Labcorp Genetics (formerly Invitae), Labcorp
Classification: Uncertain significance for Brugada syndrome 4. Last evaluated: 2021-09-24. Review status: criteria provided, single submitter. Criteria: Invitae Variant Classification Sherloc (09022015). Collection method: clinical testing. Allele origin: germline.
Comment: This sequence change replaces arginine with cysteine at codon 457 of the CACNB2 protein (p.Arg457Cys). The arginine residue is moderately conserved and there is a large physicochemical difference between arginine and cysteine. The frequency data for this variant in the population databases is considered unreliable, as metrics indicate poor data quality at this position in the ExAC database. This variant has not been reported in the literature in individuals with CACNB2-related conditions. Algorithms developed to predict the effect of missense changes on protein structure and function are either unavailable or do not agree on the potential impact of this missense change (SIFT: "Deleterious"; PolyPhen-2: "Possibly Damaging"; Align-GVGD: "Class C0"). In summary, the available evidence is currently insufficient to determine the role of this variant in disease. Therefore, it has been classified as a Variant of Uncertain Significance.

Revvity Omics, Revvity
Classification: Uncertain significance for Brugada syndrome 4. Last evaluated: 2020-03-13. Review status: criteria provided, single submitter. Criteria: ACMG Guidelines, 2015. Collection method: clinical testing. Allele origin: germline.